The following is an entry in ClinVar:

NM_001077653.2(TBX20):c.735C>A (p.Asn245Lys)

Gene: TBX20 (T-box transcription factor 20; minus strand). Cytogenetic location: 7p14.2.
Variant type: single nucleotide variant.
Coding change: c.735C>A on transcript NM_001077653.2 (MANE Select); coding-DNA position 735, C replaced by A.
Protein change: p.Asn245Lys; replaces asparagine 245 with lysine.
Molecular consequence: missense variant.
Genome position (GRCh38, 1-based): chr7:35,240,957, G>T on the plus strand (C>A on the coding strand, the complement: TBX20 is on the minus strand). VCF-style: chr7-35240957-G-T. GRCh37 (hg19) VCF-style: chr7-35280569-G-T.
Other names: c.735C>A, p.Asn245Lys (NM_001166220.1); short protein forms N245K.
Identifiers: ClinVar variation 1991593 (VCV001991593.4), dbSNP rs145983037, ClinGen allele CA156927508.

ClinVar aggregate classification (germline): Uncertain significance (1 of 4 stars; one submission).

gnomAD v4.1: 3 of 1,613,550 alleles (0.00019%); highest among the groups gnomAD compares: African/African-American, 0.004%; no homozygotes.

Submission:

Labcorp Genetics (formerly Invitae), Labcorp
Classification: Uncertain significance. Last evaluated: 2025-12-08. Review status: criteria provided, single submitter. Criteria: Invitae Variant Classification Sherloc (09022015). Collection method: clinical testing. Allele origin: germline.
Comment: This sequence change replaces asparagine, which is neutral and polar, with lysine, which is basic and polar, at codon 245 of the TBX20 protein (p.Asn245Lys). This variant is not present in population databases (gnomAD no frequency). This variant has not been reported in the literature in individuals affected with TBX20-related conditions. ClinVar contains an entry for this variant (Variation ID: 1991593). Invitae Evidence Modeling of protein sequence and biophysical properties (such as structural, functional, and spatial information, amino acid conservation, physicochemical variation, residue mobility, and thermodynamic stability) indicates that this missense variant is not expected to disrupt TBX20 protein function with a negative predictive value of 80%. In summary, the available evidence is currently insufficient to determine the role of this variant in disease. Therefore, it has been classified as a Variant of Uncertain Significance.